The following is an entry in ClinVar:

NM_182493.3(MYLK3):c.212G>A (p.Arg71Gln)

Gene: MYLK3 (myosin light chain kinase 3; minus strand). Cytogenetic location: 16q11.2.
Variant type: single nucleotide variant.
Coding change: c.212G>A on transcript NM_182493.3 (MANE Select); coding-DNA position 212, G replaced by A.
Protein change: p.Arg71Gln; replaces arginine 71 with glutamine.
Molecular consequence: missense variant. On other transcripts: intron variant (1).
Genome position (GRCh38, 1-based): chr16:46,747,982, C>T on the plus strand (G>A on the coding strand, the complement: MYLK3 is on the minus strand). VCF-style: chr16-46747982-C-T. GRCh37 (hg19) VCF-style: chr16-46781894-C-T.
Other names: c.-113-7835G>A (NM_001308301.1); c.212G>A (NM_182493.2); short protein forms R71Q.
Identifiers: ClinVar variation 2957949 (VCV002957949.4), dbSNP rs780172365, ClinGen allele CA8038302.

ClinVar aggregate classification (germline): Conflicting classifications of pathogenicity. Review status: criteria provided, conflicting classifications (1 of 4 stars). 2 submissions from 2 submitters: Uncertain significance (1); Likely benign (1). Last evaluated 2025-09-02.

Allele frequency attached by ClinVar (database versions not stated): ExAC 0.00002; gnomAD 0.00004.

Submissions (2):

Labcorp Genetics (formerly Invitae), Labcorp
Classification: Uncertain significance. Last evaluated: 2025-09-02. Review status: criteria provided, single submitter. Criteria: Invitae Variant Classification Sherloc (09022015). Collection method: clinical testing. Allele origin: germline.
Comment: This sequence change replaces arginine, which is basic and polar, with glutamine, which is neutral and polar, at codon 71 of the MYLK3 protein (p.Arg71Gln). This variant is present in population databases (rs780172365, gnomAD 0.003%). This variant has not been reported in the literature in individuals affected with MYLK3-related conditions. ClinVar contains an entry for this variant (Variation ID: 2957949). An algorithm developed to predict the effect of missense changes on protein structure and function outputs the following: PolyPhen-2: "Benign". The glutamine amino acid residue is found in multiple mammalian species, which suggests that this missense change does not adversely affect protein function. In summary, the available evidence is currently insufficient to determine the role of this variant in disease. Therefore, it has been classified as a Variant of Uncertain Significance.

Ambry Genetics
Classification: Likely benign. Last evaluated: 2025-07-15. Review status: criteria provided, single submitter. Criteria: Ambry Variant Classification Scheme 2023. Collection method: clinical testing. Allele origin: germline.